The following is an entry in ClinVar:

NM_212482.4(FN1):c.4976_4977del (p.Pro1659fs)

Gene: FN1 (fibronectin 1; minus strand). Cytogenetic location: 2q35.
Variant type: Deletion.
Coding change: c.4976_4977del on transcript NM_212482.4 (MANE Select); coding-DNA positions 4976 to 4977, 2 bases deleted (CT; older notation c.4976_4977delCT).
Protein change: p.Pro1659fs; shifts the reading frame from proline 1659.
Molecular consequence: frameshift variant.
Genome position (GRCh38, 1-based): chr2:215,383,401-215,383,402, AG deleted on the plus strand (CT on the coding strand, the reverse complement: FN1 is on the minus strand). VCF-style (leftmost placement, unchanged base first): chr2-215383400-CAG-C. GRCh37 (hg19) VCF-style: chr2-216248123-CAG-C.
Other names: c.4976_4977del, p.Pro1659fs (NM_001306129.2, NM_001306130.2, NM_001365517.2 and 3 more transcripts); c.4703_4704del, p.Pro1568fs (NM_001306131.2, NM_001306132.2, NM_001365518.2 and 7 more transcripts); short protein forms P1659fs, P1568fs.
Identifiers: ClinVar variation 1045959 (VCV001045959.6), dbSNP rs776001460, ClinGen allele CA2094273.
Genomic context (GRCh38, chr2:215,383,400, plus strand): 5'-TTTTAGTTTTTGTTGGTCCTGGTCCATTTTTGGGAGTGGTGGTTACTCTGTAACCAGTAA[CAG>C]GGGAACTTGAAGGCAGCCACTTGACACTAATGCTGTTGTCCTGAACATCGGTCACTTGCA-3'

ClinVar aggregate classification (germline): Uncertain significance (1 of 4 stars; one submission).

Allele frequency attached by ClinVar (database versions not stated): gnomAD exomes below 0.00001 and 0.00001; gnomAD 0.00001; TOPMed 0.00001; ExAC 0.00002.

Submission:

Labcorp Genetics (formerly Invitae), Labcorp
Classification: Uncertain significance. Last evaluated: 2020-05-04. Review status: criteria provided, single submitter. Criteria: Invitae Variant Classification Sherloc (09022015). Collection method: clinical testing. Allele origin: germline.
Comment: In summary, the available evidence is currently insufficient to determine the role of this variant in disease. Therefore, it has been classified as a Variant of Uncertain Significance. The current clinical and genetic evidence is not sufficient to establish whether loss-of-function variants in FN1 cause disease. This variant has not been reported in the literature in individuals with FN1-related conditions. This variant is present in population databases (rs776001460, ExAC 0.02%). This sequence change creates a premature translational stop signal (p.Pro1659Argfs*20) in the FN1 gene. It is expected to result in an absent or disrupted protein product.